The following is an entry in ClinVar:

ClinVar aggregate classification (germline): Benign (1 of 4 stars; one submission).

Allele frequency attached by ClinVar (database versions not stated): gnomAD 0.00423; TOPMed 0.00519; 1000 Genomes Project 30x 0.00593; 1000 Genomes Project 0.00599.

Submission:

CeGaT Center for Human Genetics Tuebingen
Classification: Benign. Last evaluated: 2022-09-01. Review status: criteria provided, single submitter. Criteria: CeGaT Center For Human Genetics Tuebingen Variant Classification Criteria Version 2. Collection method: clinical testing. Allele origin: germline. Affected: yes. Observed: 1 variant allele.
Comment: NRAS: BS1, BS2

NM_002524.5(NRAS):c.*3385G>A

Gene: NRAS (NRAS proto-oncogene, GTPase; minus strand). Cytogenetic location: 1p13.2.
Variant type: single nucleotide variant.
Coding change: c.*3385G>A on transcript NM_002524.5 (MANE Select); 3385 bases downstream of the stop codon, G replaced by A.
Molecular consequence: 3 prime UTR variant.
Genome position (GRCh38, 1-based): chr1:114,704,709, C>T on the plus strand (G>A on the coding strand, the complement: NRAS is on the minus strand). VCF-style: chr1-114704709-C-T. GRCh37 (hg19) VCF-style: chr1-115247330-C-T.
Identifiers: ClinVar variation 2639007 (VCV002639007.24), dbSNP rs114580873, ClinGen allele CA29039479.